The following is an entry in ClinVar:

NM_001122681.2(SH3BP2):c.*4098G>A

Gene: SH3BP2 (SH3 domain binding protein 2; plus strand). Cytogenetic location: 4p16.3.
Variant type: single nucleotide variant.
Coding change: c.*4098G>A on transcript NM_001122681.2 (MANE Select); 4098 bases downstream of the stop codon, G replaced by A.
Molecular consequence: 3 prime UTR variant.
Genome position (GRCh38, 1-based): chr4:2,837,932, G>A. VCF-style: chr4-2837932-G-A. GRCh37 (hg19) VCF-style: chr4-2839659-G-A.
Other names: c.*4098G>A (LRG_1334t2, LRG_1334t1, NM_001145855.2 and 2 more transcripts).
Identifiers: ClinVar variation 348670 (VCV000348670.6), dbSNP rs9715869, ClinGen allele CA10620961.

ClinVar aggregate classification (germline): Benign. Review status: criteria provided, multiple submitters, no conflicts (2 of 4 stars). 2 submissions from 2 submitters: Benign (2). Last evaluated 2018-01-12.

Conditions:
Fibrous dysplasia of jaw (CRBM). Also called: Cherubism. Identifiers: Orphanet 184, MedGen C0008029, MONDO:0007315, OMIM 118400.

Allele frequency attached by ClinVar (database versions not stated): gnomAD exomes 0.54286; 1000 Genomes Project 0.57348; 1000 Genomes Project 30x 0.57620; gnomAD 0.58002 and 0.58166; TOPMed 0.58347.
gnomAD v4.1: 88,588 of 151,996 alleles (58%); highest among the groups gnomAD compares: Middle Eastern, 71%; 25,998 homozygotes.

Submissions (2):

Illumina Laboratory Services, Illumina
Classification: Benign for Fibrous dysplasia of jaw. Last evaluated: 2018-01-12. Review status: criteria provided, single submitter. Criteria: ICSL Variant Classification Criteria 13 December 2019. Collection method: clinical testing. Allele origin: germline.
Comment: This variant was observed in the ICSL laboratory as part of a predisposition screen in an ostensibly healthy population. It had not been previously curated by ICSL or reported in the Human Gene Mutation Database (HGMD: prior to June 1st, 2018), and was therefore a candidate for classification through an automated scoring system. Utilizing variant allele frequency, disease prevalence and penetrance estimates, and inheritance mode, an automated score was calculated to assess if this variant is too frequent to cause the disease. Based on the score and internal cut-off values, a variant classified as benign is not then subjected to further curation. The score for this variant resulted in a classification of benign for this disease.

Breakthrough Genomics
Classification: Benign. Review status: criteria provided, single submitter. Criteria: ACMG Guidelines, 2015. Collection method: not provided. Allele origin: germline. Inheritance: Autosomal dominant inheritance. Affected: yes.